The following is an entry in ClinVar:

ClinVar aggregate classification (germline): Likely benign. Review status: criteria provided, multiple submitters, no conflicts (2 of 4 stars). 2 submissions from 2 submitters: Likely benign (2). Last evaluated 2026-06-15.

Conditions:
Polyps, multiple and recurrent inflammatory fibroid, gastrointestinal. Identifiers: MedGen C5193005, MONDO:0008285, OMIM 175510.
Gastrointestinal stromal tumor. Also called: Gastrointestinal stromal tumor, somatic; Gastrointestinal stroma tumor. Identifiers: Orphanet 44890, MedGen C0238198, MeSH D046152, MONDO:0011719, OMIM 606764, HP:0100723.

Allele frequency attached by ClinVar (database versions not stated): gnomAD exomes below 0.00001.
gnomAD v4.1: 3 of 1,587,280 alleles (0.00019%); highest among the groups gnomAD compares: Non-Finnish European, 0.000087%; no homozygotes.

Submissions (2):

Myriad Genetics, Inc.
Classification: Likely benign for Polyps, multiple and recurrent inflammatory fibroid, gastrointestinal. Last evaluated: 2026-06-15. Review status: criteria provided, single submitter. Criteria: Myriad Autosomal Dominant, Autosomal Recessive and X-Linked Classification Criteria (2023). Collection method: clinical testing. Allele origin: unknown.
Comment: This variant is considered likely benign. This variant is intronic and is not expected to impact mRNA splicing.

Labcorp Genetics (formerly Invitae), Labcorp
Classification: Likely benign for Gastrointestinal stromal tumor. Last evaluated: 2025-12-15. Review status: criteria provided, single submitter. Criteria: Invitae Variant Classification Sherloc (09022015). Collection method: clinical testing. Allele origin: germline.

NM_006206.6(PDGFRA):c.2774+10T>C

Gene: PDGFRA (platelet derived growth factor receptor alpha; plus strand). Cytogenetic location: 4q12.
Variant type: single nucleotide variant.
Coding change: c.2774+10T>C on transcript NM_006206.6 (MANE Select); 10 bases into the intron after coding-DNA position 2774, T replaced by C.
Molecular consequence: intron variant.
Genome position (GRCh38, 1-based): chr4:54,288,908, T>C. VCF-style: chr4-54288908-T-C. GRCh37 (hg19) VCF-style: chr4-55155075-T-C.
Other names: c.2849+10T>C (NM_001347828.2); c.2774+10T>C (NM_001347829.2); c.2813+10T>C (NM_001347830.2).
Identifiers: ClinVar variation 762562 (VCV000762562.12), dbSNP rs1577746216, ClinGen allele CA915943064.